The following is an entry in ClinVar:

NM_005476.7(GNE):c.1447G>A (p.Gly483Arg)

Gene: GNE (glucosamine (UDP-N-acetyl)-2-epimerase/N-acetylmannosamine kinase; minus strand). Cytogenetic location: 9p13.3.
Variant type: single nucleotide variant.
Coding change: c.1447G>A on transcript NM_005476.7 (MANE Select); coding-DNA position 1447, G replaced by A.
Protein change: p.Gly483Arg; replaces glycine 483 with arginine.
Molecular consequence: missense variant. On other transcripts: intron variant (1).
Genome position (GRCh38, 1-based): chr9:36,222,963, C>T on the plus strand (G>A on the coding strand, the complement: GNE is on the minus strand). VCF-style: chr9-36222963-C-T. GRCh37 (hg19) VCF-style: chr9-36222960-C-T.
Other names: c.1540G>A, p.Gly514Arg (NM_001128227.3); c.1117G>A, p.Gly373Arg (NM_001190384.3); c.1270G>A, p.Gly424Arg (NM_001190388.2, NM_001374798.1); c.1294G>A, p.Gly432Arg (NM_001374797.1); c.1411+410G>A (NM_001190383.3); short protein forms G424R, G432R, G483R, G514R, G373R.
Identifiers: ClinVar variation 1497411 (VCV001497411.9), dbSNP rs2133022218, ClinGen allele CA373426841.

ClinVar aggregate classification (germline): Uncertain significance. Review status: criteria provided, multiple submitters, no conflicts (2 of 4 stars). 2 submissions from 2 submitters: Uncertain significance (2). Last evaluated 2025-07-22.

Conditions:
Sialuria. Also called: SIALURIA, FRENCH TYPE; Sialic Acid Storage Disease. Identifiers: Orphanet 3166, MedGen C0342853, MONDO:0010028, OMIM 269921.
GNE myopathy (NM). Also called: NONAKA DISTAL MYOPATHY; IBM 2; Inclusion body myopathy autosomal recessive; Inclusion body myopathy quadriceps sparing; INCLUSION BODY MYOPATHY, HEREDITARY, AUTOSOMAL RECESSIVE; INCLUSION BODY MYOPATHY 2, AUTOSOMAL RECESSIVE. Identifiers: Orphanet 602, MedGen C1853926, MONDO:0011603, OMIM 605820.

Submissions (2):

Women's Health and Genetics/Laboratory Corporation of America, LabCorp
Classification: Uncertain significance. Last evaluated: 2025-07-22. Review status: criteria provided, single submitter. Criteria: LabCorp Variant Classification Summary - May 2015. Collection method: clinical testing. Allele origin: germline.
Comment: Variant summary: GNE c.1540G>A (p.Gly514Arg) results in a non-conservative amino acid change in the encoded protein sequence. Algorithms developed to predict the effect of missense changes on protein structure and function all suggest that this variant is likely to be disruptive. The variant was absent in 251474 control chromosomes (gnomAD). The available data on variant occurrences in the general population are insufficient to allow any conclusion about variant significance. To our knowledge, no occurrence of c.1540G>A in individuals affected with GNE myopathy and no experimental evidence demonstrating its impact on protein function have been reported. ClinVar contains an entry for this variant (Variation ID: 1497411). Based on the evidence outlined above, the variant was classified as uncertain significance.

Labcorp Genetics (formerly Invitae), Labcorp
Classification: Uncertain significance for Sialuria; GNE myopathy. Last evaluated: 2022-06-27. Review status: criteria provided, single submitter. Criteria: Invitae Variant Classification Sherloc (09022015). Collection method: clinical testing. Allele origin: germline.
Comment: In summary, the available evidence is currently insufficient to determine the role of this variant in disease. Therefore, it has been classified as a Variant of Uncertain Significance. Advanced modeling of protein sequence and biophysical properties (such as structural, functional, and spatial information, amino acid conservation, physicochemical variation, residue mobility, and thermodynamic stability) performed at Invitae indicates that this missense variant is expected to disrupt GNE protein function. This variant has not been reported in the literature in individuals affected with GNE-related conditions. This variant is not present in population databases (gnomAD no frequency). This sequence change replaces glycine, which is neutral and non-polar, with arginine, which is basic and polar, at codon 514 of the GNE protein (p.Gly514Arg).